The following is an entry in ClinVar:

ClinVar aggregate classification (germline): Uncertain significance. Review status: criteria provided, multiple submitters, no conflicts (2 of 4 stars). 2 submissions from 2 submitters: Uncertain significance (2). Last evaluated 2026-09-16.

Conditions:
SEMA3D-related disorder. Also called: SEMA3D-related condition.

Allele frequency attached by ClinVar (database versions not stated): ESP Exome Variant Server 0.00008; ExAC 0.00015; 1000 Genomes Project 30x 0.00016; gnomAD 0.00017; TOPMed 0.00017; 1000 Genomes Project 0.00020.

Submissions (2):

PreventionGenetics, part of Exact Sciences
Classification: Uncertain significance for SEMA3D-related condition. Last evaluated: 2026-09-16. Review status: criteria provided, single submitter. Criteria: ACMG Guidelines, 2015. Collection method: clinical testing. Allele origin: germline.
Comment: The SEMA3D c.337C>T variant is predicted to result in the amino acid substitution p.Arg113Trp. To our knowledge, this variant has not been reported in the literature. This variant is reported in 0.036% of alleles in individuals of South Asian descent in gnomAD. At this time, the clinical significance of this variant is uncertain due to the absence of conclusive functional and genetic evidence.

Ambry Genetics
Classification: Uncertain significance. Last evaluated: 2025-10-29. Review status: criteria provided, single submitter. Criteria: Ambry Variant Classification Scheme 2023. Collection method: clinical testing. Allele origin: germline.
Comment: The c.337C>T (p.R113W) alteration is located in exon 3 (coding exon 3) of the SEMA3D gene. This alteration results from a C to T substitution at nucleotide position 337, causing the arginine (R) at amino acid position 113 to be replaced by a tryptophan (W). Based on data from gnomAD, the T allele has an overall frequency of 0.017% (47/282560) total alleles studied. The highest observed frequency was 0.036% (11/30602) of South Asian alleles. Based on insufficient or conflicting evidence, the clinical significance of this alteration remains unclear.

NM_001384900.1(SEMA3D):c.337C>T (p.Arg113Trp)

Gene: SEMA3D (semaphorin 3D; minus strand). Cytogenetic location: 7q21.11.
Variant type: single nucleotide variant.
Coding change: c.337C>T on transcript NM_001384900.1 (MANE Select); coding-DNA position 337, C replaced by T.
Protein change: p.Arg113Trp; replaces arginine 113 with tryptophan.
Molecular consequence: missense variant.
Genome position (GRCh38, 1-based): chr7:85,081,555, G>A on the plus strand (C>T on the coding strand, the complement: SEMA3D is on the minus strand). VCF-style: chr7-85081555-G-A. GRCh37 (hg19) VCF-style: chr7-84710871-G-A.
Other names: c.337C>T, p.Arg113Trp (NM_001384901.1, NM_001384902.1, NM_001384903.1 and 1 more transcripts); short protein forms R113W.
Identifiers: ClinVar variation 2512683 (VCV002512683.7), dbSNP rs200513307, ClinGen allele CA4323778.